The following is an entry in ClinVar:

NM_207122.2(EXT2):c.1091T>C (p.Val364Ala)

Gene: EXT2 (exostosin glycosyltransferase 2; plus strand). Cytogenetic location: 11p11.2.
Variant type: single nucleotide variant.
Coding change: c.1091T>C on transcript NM_207122.2 (MANE Select); coding-DNA position 1091, T replaced by C.
Protein change: p.Val364Ala; replaces valine 364 with alanine.
Molecular consequence: missense variant.
Genome position (GRCh38, 1-based): chr11:44,130,056, T>C. VCF-style: chr11-44130056-T-C. GRCh37 (hg19) VCF-style: chr11-44151606-T-C.
Other names: c.1190T>C, p.Val397Ala (NM_000401.3); c.1091T>C, p.Val364Ala (NM_001178083.3, NM_001389628.1, NM_001389630.1); short protein forms V364A, V397A.
Identifiers: ClinVar variation 3625973 (VCV003625973.2).

ClinVar aggregate classification (germline): Uncertain significance (1 of 4 stars; one submission).

Conditions:
Exostoses, multiple, type 2 (EXT2). Also called: Hereditary Multiple Osteochondromatosis, Type II; EXOSTOSES, MULTIPLE, TYPE II. Identifiers: Orphanet 321, MedGen C1851413, MONDO:0007586, OMIM 133701.

gnomAD v4.1: 1 of 1,614,048 alleles (0.000062%); highest among the groups gnomAD compares: South Asian, 0.0011%; no homozygotes.

Submission:

Labcorp Genetics (formerly Invitae), Labcorp
Classification: Uncertain significance for Exostoses, multiple, type 2. Last evaluated: 2024-05-23. Review status: criteria provided, single submitter. Criteria: Invitae Variant Classification Sherloc (09022015). Collection method: clinical testing. Allele origin: germline.
Comment: This sequence change replaces valine, which is neutral and non-polar, with alanine, which is neutral and non-polar, at codon 364 of the EXT2 protein (p.Val364Ala). This variant is not present in population databases (gnomAD no frequency). This variant has not been reported in the literature in individuals affected with EXT2-related conditions. Advanced modeling of protein sequence and biophysical properties (such as structural, functional, and spatial information, amino acid conservation, physicochemical variation, residue mobility, and thermodynamic stability) performed at Invitae indicates that this missense variant is not expected to disrupt EXT2 protein function with a negative predictive value of 80%. In summary, the available evidence is currently insufficient to determine the role of this variant in disease. Therefore, it has been classified as a Variant of Uncertain Significance.